The following is an entry in ClinVar:

ClinVar aggregate classification (germline): Pathogenic (1 of 4 stars; one submission).

Conditions:
Cardiovascular phenotype. Identifiers: MedGen CN230736.
Hereditary cancer-predisposing syndrome. Also called: Tumor predisposition; Neoplastic Syndromes, Hereditary; Hereditary Cancer Syndrome; Hereditary neoplastic syndrome. Identifiers: Orphanet 140162, MedGen C0027672, MeSH D009386, MONDO:0015356.

Submission:

Ambry Genetics
Classification: Pathogenic for Cardiovascular phenotype; Hereditary cancer-predisposing syndrome. Last evaluated: 2025-03-14. Review status: criteria provided, single submitter. Criteria: Ambry Variant Classification Scheme 2023. Collection method: clinical testing. Allele origin: germline.
Comment: The c.6790dupT pathogenic mutation, located in coding exon 45 of the NF1 gene, results from a duplication of T at nucleotide position 6790, causing a translational frameshift with a predicted alternate stop codon (p.Y2264Lfs*22). This variant was reported in individual(s) with features consistent with neurofibromatosis type 1 (Bianchessi D et al. Mol Genet Genomic Med. 2015 Nov;3:513-25). This variant is considered to be rare based on population cohorts in the Genome Aggregation Database (gnomAD). In addition to the clinical data presented in the literature, this alteration is expected to result in loss of function by premature protein truncation or nonsense-mediated mRNA decay. As such, this alteration is interpreted as a disease-causing mutation.

Literature cited by the submitters: PubMed 26740943.

NM_001042492.3(NF1):c.6853dup (p.Tyr2285fs)

Gene: NF1 (neurofibromin 1; plus strand). Cytogenetic location: 17q11.2.
Variant type: Duplication.
Coding change: c.6853dup on transcript NM_001042492.3 (MANE Select); coding-DNA position 6853, one base duplicated (T; older notation c.6853dupT).
Protein change: p.Tyr2285fs; shifts the reading frame from tyrosine 2285.
Molecular consequence: frameshift variant.
Genome position (GRCh38, 1-based): chr17:31,338,737, T duplicated; the last of 2 consecutive T bases (chr17:31,338,736-31,338,737); duplicating either gives the same sequence. VCF-style (leftmost placement, unchanged base first): chr17-31338735-C-CT. GRCh37 (hg19) VCF-style: chr17-29665753-C-CT.
Other names: c.6790dup, p.Tyr2264Leufs (NM_000267.4); c.6790dupT (NM_000267.3); short protein forms Y2264fs, Y2285fs.
Identifiers: ClinVar variation 3878977 (VCV003878977.1).